The following is an entry in ClinVar:

NM_015557.3(CHD5):c.3744C>T (p.Asp1248=)

Gene: CHD5 (chromodomain helicase DNA binding protein 5; minus strand). Cytogenetic location: 1p36.31.
Variant type: single nucleotide variant.
Coding change: c.3744C>T on transcript NM_015557.3 (MANE Select); coding-DNA position 3744, C replaced by T.
Protein change: p.Asp1248=; no amino-acid change (aspartic acid 1248 retained).
Molecular consequence: synonymous variant.
Genome position (GRCh38, 1-based): chr1:6,128,205, G>A on the plus strand (C>T on the coding strand, the complement: CHD5 is on the minus strand). VCF-style: chr1-6128205-G-A. GRCh37 (hg19) VCF-style: chr1-6188265-G-A.
Identifiers: ClinVar variation 4980429 (VCV004980429.1).

ClinVar aggregate classification (germline): Likely benign (1 of 4 stars; one submission).

Conditions:
CHD5-related disorder. Also called: CHD5-related condition.

gnomAD v4.1: 79 of 1,614,018 alleles (0.0049%); highest among the groups gnomAD compares: Non-Finnish European, 0.0063%; no homozygotes.

Submission:

PreventionGenetics, part of Exact Sciences
Classification: Likely benign for CHD5-related condition. Last evaluated: 2025-10-03. Review status: criteria provided, single submitter. Criteria: ACMG Guidelines, 2015. Collection method: clinical testing. Allele origin: germline.
Comment: This variant is classified as likely benign based on ACMG/AMP sequence variant interpretation guidelines (Richards et al. 2015 PMID: 25741868, with internal and published modifications).